The following is an entry in ClinVar:

ClinVar aggregate classification (germline): Uncertain significance (1 of 4 stars; one submission).

Allele frequency attached by ClinVar (database versions not stated): gnomAD exomes 0.00001.
gnomAD v4.1: 10 of 1,613,340 alleles (0.00062%); highest among the groups gnomAD compares: South Asian, 0.0055%; no homozygotes.

Submission:

Labcorp Genetics (formerly Invitae), Labcorp
Classification: Uncertain significance. Last evaluated: 2022-06-04. Review status: criteria provided, single submitter. Criteria: Invitae Variant Classification Sherloc (09022015). Collection method: clinical testing. Allele origin: germline.
Comment: In summary, the available evidence is currently insufficient to determine the role of this variant in disease. Therefore, it has been classified as a Variant of Uncertain Significance. Algorithms developed to predict the effect of sequence changes on RNA splicing suggest that this variant may create or strengthen a splice site. Algorithms developed to predict the effect of missense changes on protein structure and function output the following: SIFT: "Tolerated"; PolyPhen-2: "Benign"; Align-GVGD: "Class C0". The glycine amino acid residue is found in multiple mammalian species, which suggests that this missense change does not adversely affect protein function. ClinVar contains an entry for this variant (Variation ID: 1415599). This variant has not been reported in the literature in individuals affected with LCA5-related conditions. This variant is present in population databases (no rsID available, gnomAD 0.01%). This sequence change replaces serine, which is neutral and polar, with glycine, which is neutral and non-polar, at codon 583 of the LCA5 protein (p.Ser583Gly).

NM_001122769.3(LCA5):c.1747A>G (p.Ser583Gly)

Gene: LCA5 (lebercilin LCA5; minus strand). Cytogenetic location: 6q14.1.
Variant type: single nucleotide variant.
Coding change: c.1747A>G on transcript NM_001122769.3 (MANE Select); coding-DNA position 1747, A replaced by G.
Protein change: p.Ser583Gly; replaces serine 583 with glycine.
Molecular consequence: missense variant.
Genome position (GRCh38, 1-based): chr6:79,487,351, T>C on the plus strand (A>G on the coding strand, the complement: LCA5 is on the minus strand). VCF-style: chr6-79487351-T-C. GRCh37 (hg19) VCF-style: chr6-80197068-T-C.
Other names: c.1747A>G, p.Ser583Gly (NM_181714.4); short protein forms S583G.
Identifiers: ClinVar variation 1415599 (VCV001415599.6), dbSNP rs138594057, ClinGen allele CA141860257.